The following is an entry in ClinVar:

ClinVar aggregate classification (germline): Uncertain significance. Review status: criteria provided, multiple submitters, no conflicts (2 of 4 stars). 5 submissions from 5 submitters: Uncertain significance (5). Last evaluated 2025-06-24.

Conditions:
Cardiovascular phenotype. Identifiers: MedGen CN230736.
Cardiomyopathy (CMYO). Also called: Cardiomyopathies. Identifiers: Orphanet 167848, MedGen C0878544, MONDO:0004994, HP:0001638. Inheritance: Various modes of inheritance.
Arrhythmogenic right ventricular cardiomyopathy (ARVD). Also called: Arrhythmogenic cardiomyopathy; Cardiomyopathy, ARVC; Arrhythmogenic right ventricular dysplasia; Arrhythmogenic Right Ventricular Cardiomyopathy (ARVC). Identifiers: Orphanet 247, MedGen C0349788, MeSH D019571, MONDO:0016587. Disease mechanism: loss of function. Inheritance: Various modes of inheritance.
Arrhythmogenic right ventricular dysplasia 9 (ARVD9). Also called: ARRHYTHMOGENIC RIGHT VENTRICULAR DYSPLASIA, FAMILIAL, 9; Arrhythmogenic Right Ventricular Dysplasia/Cardiomyopathy 9. Identifiers: MedGen C1836906, MONDO:0012180, OMIM 609040.

Allele frequency attached by ClinVar (database versions not stated): ExAC 0.00001; gnomAD 0.00002 and 0.00003; TOPMed 0.00002; ESP Exome Variant Server 0.00008.
gnomAD v4.1: 40 of 1,614,044 alleles (0.0025%); highest among the groups gnomAD compares: East Asian, 0.0045%; no homozygotes.

Submissions (5):

Color Diagnostics, LLC DBA Color Health
Classification: Uncertain significance for Cardiomyopathy. Last evaluated: 2025-06-24. Review status: criteria provided, single submitter. Criteria: ACMG Guidelines, 2015. Collection method: clinical testing. Allele origin: germline.
Comment: This missense variant replaces alanine with threonine at codon 326 of the PKP2 protein. Computational prediction suggests that this variant may not impact protein structure and function. To our knowledge, functional studies have not been reported for this variant. This variant has been reported in two individuals affected with arrhythmogenic right ventricular cardiomyopathy (PMID: 23514727, 31319917). One of them was homozygous while the other individual also carried a pathogenic variant in the same gene. This variant has also been reported in an individual suspected to be affected with cardiomyopathy or arrhythmia (PMID: 35947370). This variant has been identified in 6/250040 chromosomes in the general population by the Genome Aggregation Database (gnomAD). The available evidence is insufficient to determine the role of this variant in disease conclusively. Therefore, this variant is classified as a Variant of Uncertain Significance.

Labcorp Genetics (formerly Invitae), Labcorp
Classification: Uncertain significance for Arrhythmogenic right ventricular dysplasia 9. Last evaluated: 2025-06-20. Review status: criteria provided, single submitter. Criteria: Invitae Variant Classification Sherloc (09022015). Collection method: clinical testing. Allele origin: germline.
Comment: This sequence change replaces alanine, which is neutral and non-polar, with threonine, which is neutral and polar, at codon 326 of the PKP2 protein (p.Ala326Thr). This variant is present in population databases (rs148480056, gnomAD 0.004%). This missense change has been observed in individual(s) with arrythmogenic right ventricular cardiomyopathy (PMID: 23514727, 28431057, 31319917). ClinVar contains an entry for this variant (Variation ID: 202029). An algorithm developed to predict the effect of missense changes on protein structure and function outputs the following: PolyPhen-2: "Benign". The threonine amino acid residue is found in multiple mammalian species, which suggests that this missense change does not adversely affect protein function. In summary, the available evidence is currently insufficient to determine the role of this variant in disease. Therefore, it has been classified as a Variant of Uncertain Significance.

Ambry Genetics
Classification: Uncertain significance for Cardiovascular phenotype. Last evaluated: 2024-05-22. Review status: criteria provided, single submitter. Criteria: Ambry Variant Classification Scheme 2023. Collection method: clinical testing. Allele origin: germline.
Comment: The p.A326T variant (also known as c.976G>A), located in coding exon 3 of the PKP2 gene, results from a G to A substitution at nucleotide position 976. The alanine at codon 326 is replaced by threonine, an amino acid with similar properties. This variant was reported in the homozygous state in an individual with arrhythmogenic right ventricular cardiomyopathy (ARVC) who reportedly also had a homozygous variant in the DSP gene (Ohno S et al. Circ J, 2013 Mar;77:1534-42). In another study, this variant co-occurred with a splice site variant in the PKP2 gene in an individual with ARVC (DeWitt ES et al. J Am Coll Cardiol, 2019 07;74:346-358). This amino acid position is well conserved in available vertebrate species. In addition, this alteration is predicted to be tolerated by in silico analysis. Based on the available evidence, the clinical significance of this variant remains unclear.

All of Us Research Program, National Institutes of Health
Classification: Uncertain significance for Arrhythmogenic right ventricular cardiomyopathy. Last evaluated: 2024-04-16. Review status: criteria provided, single submitter. Criteria: ACMG Guidelines, 2015. Collection method: clinical testing. Allele origin: germline. Inheritance: Autosomal dominant inheritance. Observed: 5 variant alleles, 5 heterozygotes.
Comment: This missense variant replaces alanine with threonine at codon 326 of the PKP2 protein. Computational prediction suggests that this variant may not impact protein structure and function (internally defined REVEL score threshold <= 0.5, PMID: 27666373). To our knowledge, functional studies have not been reported for this variant. This variant has been reported in two individuals affected with arrhythmogenic right ventricular cardiomyopathy (PMID: 23514727, 31319917). One of them was homozygote while the other individual also carried a pathogenic variant in the PKP2 gene which could explain the observed phenotype. This variant has been identified in 6/250040 chromosomes in the general population by the Genome Aggregation Database (gnomAD). The available evidence is insufficient to determine the role of this variant in disease conclusively. Therefore, this variant is classified as a Variant of Uncertain Significance.

This study involves interpretation of variants in research participants for the purpose of population health screening. Participant phenotype was not available at the time of variant classification. Additional details can be found in publication PMID: 35346344, PMCID: PMC8962531

Blueprint Genetics
Classification: Uncertain significance. Last evaluated: 2024-02-27. Review status: criteria provided, single submitter. Criteria: ACMG Guidelines, 2015. Collection method: clinical testing. Allele origin: germline.

Literature cited by the submitters: PubMed 23514727 (cited by 4 submitters); PubMed 31319917 (cited by 4 submitters); PubMed 35947370 (cited by Color Diagnostics, LLC DBA Color Health); PubMed 28431057 (cited by Labcorp Genetics (formerly Invitae), Labcorp and Ambry Genetics).

NM_001005242.3(PKP2):c.976G>A (p.Ala326Thr)

Gene: PKP2 (plakophilin 2; minus strand). Cytogenetic location: 12p11.21.
Variant type: single nucleotide variant.
Coding change: c.976G>A on transcript NM_001005242.3 (MANE Select); coding-DNA position 976, G replaced by A.
Protein change: p.Ala326Thr; replaces alanine 326 with threonine.
Molecular consequence: missense variant.
Genome position (GRCh38, 1-based): chr12:32,877,904, C>T on the plus strand (G>A on the coding strand, the complement: PKP2 is on the minus strand). VCF-style: chr12-32877904-C-T. GRCh37 (hg19) VCF-style: chr12-33030838-C-T.
Other names: c.976G>A, p.Ala326Thr (NM_004572.4); short protein forms A326T.
Identifiers: ClinVar variation 202029 (VCV000202029.17), dbSNP rs148480056, ClinGen allele CA012622.